The following is an entry in ClinVar:

ClinVar aggregate classification (germline): Benign/Likely benign. Review status: criteria provided, multiple submitters, no conflicts (2 of 4 stars). 21 submissions from 21 submitters: Benign (8); Likely benign (8). 5 of the submissions do not count toward it. Last evaluated 2026-09-01.

Conditions:
POLD1-related polyposis and colorectal cancer syndrome (CRCS10). Also called: Colorectal cancer 10; COLORECTAL CANCER, SUSCEPTIBILITY TO, ON CHROMOSOME 19q; Colorectal cancer, susceptibility to, 10. Identifiers: Orphanet 220460, MedGen C2675481, MONDO:0012953, OMIM 612591.
Hereditary cancer-predisposing syndrome. Also called: Neoplastic Syndromes, Hereditary; Tumor predisposition; Hereditary Cancer Syndrome; Hereditary neoplastic syndrome. Identifiers: Orphanet 140162, MedGen C0027672, MeSH D009386, MONDO:0015356.

Allele frequency attached by ClinVar (database versions not stated): 1000 Genomes Project 30x 0.00031; 1000 Genomes Project 0.00040; gnomAD 0.00142 and 0.00143; TOPMed 0.00142; ESP Exome Variant Server 0.00179.
gnomAD v4.1: 4,246 of 1,563,834 alleles (0.27%); highest among the groups gnomAD compares: Non-Finnish European, 0.34%; 6 homozygotes.

Submissions (21):

CeGaT Center for Human Genetics Tuebingen
Classification: Likely benign. Last evaluated: 2026-09-01. Review status: criteria provided, single submitter. Criteria: CeGaT Center For Human Genetics Tuebingen Variant Classification Criteria Version 2. Collection method: clinical testing. Allele origin: germline. Affected: yes. Observed: 20 variant alleles.
Comment: POLD1: BP4, BP7

Labcorp Genetics (formerly Invitae), Labcorp
Classification: Benign for POLD1-related polyposis and colorectal cancer syndrome. Last evaluated: 2026-02-03. Review status: criteria provided, single submitter. Criteria: Invitae Variant Classification Sherloc (09022015). Collection method: clinical testing. Allele origin: germline.

Mayo Clinic Laboratories, Mayo Clinic
Classification: Likely benign. Last evaluated: 2025-08-29. Review status: criteria provided, single submitter. Criteria: ACMG Guidelines, 2015. Collection method: clinical testing. Allele origin: germline. Observed: 3 variant alleles.
Comment: BS1, BP4, BP7

Center for Genomic Medicine, Rigshospitalet, Copenhagen University Hospital
Classification: Likely benign. Last evaluated: 2025-03-04. Review status: criteria provided, single submitter. Criteria: ACMG Guidelines, 2015. Collection method: clinical testing. Allele origin: germline.

Blueprint Genetics
Classification: Likely benign. Last evaluated: 2024-11-14. Review status: criteria provided, single submitter. Criteria: ACMG Guidelines, 2015. Collection method: clinical testing. Allele origin: germline.

ARUP Laboratories, Molecular Genetics and Genomics, ARUP Laboratories
Classification: Benign. Last evaluated: 2023-11-09. Review status: criteria provided, single submitter. Criteria: ARUP Molecular Germline Variant Investigation Process 2024. Collection method: clinical testing. Allele origin: germline.

KCCC/NGS Laboratory, Kuwait Cancer Control Center
Classification: Benign for POLD1-related polyposis and colorectal cancer syndrome. Last evaluated: 2023-07-07. Review status: criteria provided, single submitter. Criteria: ACMG Guidelines, 2015. Collection method: clinical testing. Allele origin: germline. Affected: yes.

Women's Health and Genetics/Laboratory Corporation of America, LabCorp
Classification: Benign. Last evaluated: 2022-10-22. Review status: criteria provided, single submitter. Criteria: LabCorp Variant Classification Summary - May 2015. Collection method: clinical testing. Allele origin: germline.

GeneDx
Classification: Likely benign. Last evaluated: 2021-09-14. Review status: criteria provided, single submitter. Criteria: GeneDx Variant Classification Process June 2021. Collection method: clinical testing. Allele origin: germline. Affected: yes.
Comment: This variant is associated with the following publications: (PMID: 27923066)

Sema4
Classification: Benign for Hereditary cancer-predisposing syndrome. Last evaluated: 2020-10-06. Review status: criteria provided, single submitter. Criteria: Sema4 Curation Guidelines. Collection method: curation. Allele origin: germline.

Mendelics
Classification: Likely benign for POLD1-related polyposis and colorectal cancer syndrome. Last evaluated: 2019-05-28. Review status: criteria provided, single submitter. Criteria: Mendelics Assertion Criteria 2017. Collection method: clinical testing. Allele origin: unknown.

Genetic Services Laboratory, University of Chicago
Classification: Benign. Last evaluated: 2018-11-06. Review status: criteria provided, single submitter. Criteria: ACMG Guidelines, 2015. Collection method: clinical testing. Allele origin: germline. Affected: no.

Eurofins Ntd Llc (ga)
Classification: Likely benign. Last evaluated: 2018-03-15. Review status: criteria provided, single submitter. Criteria: EGL ClinVar v180209 classification definitions. Collection method: clinical testing. Allele origin: germline. Observed: 1 variant allele, 1 heterozygote.

Quest Diagnostics Nichols Institute San Juan Capistrano
Classification: Benign. Last evaluated: 2017-06-06. Review status: criteria provided, single submitter. Criteria: Quest Diagnostics criteria. Collection method: clinical testing. Allele origin: unknown.

PreventionGenetics, part of Exact Sciences
Classification: Benign. Last evaluated: 2017-03-09. Review status: criteria provided, single submitter. Criteria: ACMG Guidelines, 2015. Collection method: clinical testing. Allele origin: germline.

Ambry Genetics
Classification: Likely benign for Hereditary cancer-predisposing syndrome. Last evaluated: 2015-06-05. Review status: criteria provided, single submitter. Criteria: Ambry Variant Classification Scheme 2023. Collection method: clinical testing. Allele origin: germline.

True Health Diagnostics
Classification: Likely benign for Hereditary cancer-predisposing syndrome. Last evaluated: 2017-10-10. Review status: no assertion criteria provided. Collection method: clinical testing. Allele origin: germline. Not counted in ClinVar's aggregate classification.

Clinical Genetics DNA and cytogenetics Diagnostics Lab, Erasmus MC, Erasmus Medical Center
Classification: Likely benign. Review status: no assertion criteria provided. Collection method: clinical testing. Allele origin: germline. Affected: yes. Study: VKGL Data-share Consensus. Not counted in ClinVar's aggregate classification.

Clinical Genetics, Academic Medical Center
Classification: Likely benign. Review status: no assertion criteria provided. Collection method: clinical testing. Allele origin: germline. Affected: yes. Study: VKGL Data-share Consensus. Not counted in ClinVar's aggregate classification.

Department of Pathology and Laboratory Medicine, Sinai Health System
Classification: Likely benign. Review status: no assertion criteria provided. Collection method: clinical testing. Allele origin: unknown. Affected: yes. Study: The Canadian Open Genetics Repository (COGR). Not counted in ClinVar's aggregate classification.
Comment: The POLD1 p.Thr989Thr variant was not identified in the literature nor was it identified in the MutDB database. The variant was identified in dbSNP (ID: rs3218752 as â€šÃ„ÃºWith Likely benign, other alleleâ€šÃ„Ã¹), ClinVar (classified as benign by Invitae and Quest Diagnostics Nichols Institute San Juan Capistrano and as likely benign by GeneDx, Ambry Genetics and True Health Diagnostics), and Cosmic (1x in adenocarcinoma of the lung). The variant was identified in control databases in 275 of 194958 chromosomes at a frequency of 0.001, increasing the likelihood this could be a low frequency benign variant (Genome Aggregation Database Feb 27, 2017). The variant was observed in the following populations: European Non-Finnish in 218 of 83548 chromosomes (freq: 0.003), African in 11 of 17348 chromosomes (freq: 0.0006), Other in 5 of 5074 chromosomes (freq: 0.001), Latino in 4 of 26990 chromosomes (freq: 0.0001), Finnish in 8 of 15338 chromosomes (freq: 0.0005), and South Asian in 29 of 24442 chromosomes (freq: 0.001), while it not observed in the Ashkenazi Jewish or East Asian populations. The p.Thr989= variant is not expected to have clinical significance because it does not result in a change of amino acid and is not located in a known consensus splice site. In addition, in silico or computational prediction software programs (SpliceSiteFinder, MaxEntScan, NNSPLICE, GeneSplicer, HumanSpliceFinder) do not predict a difference in splicing. The variant occurs outside of the splicing consensus sequence and in silico or computational prediction software programs (SpliceSiteFinder, MaxEntScan, NNSPLICE, GeneSplicer) do not predict a difference in splicing. In summary, based on the above information the clinical significance of this variant cannot be determined with certainty at this time although we would lean towards a more benign role for this variant. This variant is classified as likely benign.

Genome Diagnostics Laboratory, Amsterdam University Medical Center
Classification: Likely benign. Review status: no assertion criteria provided. Collection method: clinical testing. Allele origin: germline. Affected: yes. Study: VKGL Data-share Consensus. Not counted in ClinVar's aggregate classification.

NM_002691.4(POLD1):c.2967G>A (p.Thr989=)

Gene: POLD1 (DNA polymerase delta 1, catalytic subunit; plus strand). Cytogenetic location: 19q13.33.
Variant type: single nucleotide variant.
Coding change: c.2967G>A on transcript NM_002691.4 (MANE Select); coding-DNA position 2967, G replaced by A.
Protein change: p.Thr989=; no amino-acid change (threonine 989 retained).
Molecular consequence: synonymous variant. On other transcripts: non-coding transcript variant (1).
Genome position (GRCh38, 1-based): chr19:50,416,623, G>A. VCF-style: chr19-50416623-G-A. GRCh37 (hg19) VCF-style: chr19-50919880-G-A.
Other names: p.Thr989=; c.2967G>A, p.Thr989= (NM_001256849.1); c.3045G>A, p.Thr1015= (NM_001308632.1).
Identifiers: ClinVar variation 220823 (VCV000220823.78), dbSNP rs3218752, ClinGen allele CA350406.